The following is an entry in ClinVar:

ClinVar aggregate classification (germline): Uncertain significance (1 of 4 stars; one submission).

Submission:

Dasa
Classification: Uncertain significance. Last evaluated: 2025-03-18. Review status: criteria provided, single submitter. Criteria: DASA Assertion Criteria. Collection method: clinical testing. Allele origin: germline.
Comment: NM_004304.5(ALK):c.4558_4560del (p.Asn1520del) is an in-frame deletion predicted to remove asparagine at protein position 1520 without shifting the reading frame. This variant is absent from population databases. The currently available literature and clinical evidence are not sufficient to establish a definitive association between this variant and the reported condition. Therefore, this variant is classified as a variant of uncertain significance.

NM_004304.5(ALK):c.4555AAT[1] (p.Asn1520del)

Gene: ALK (ALK receptor tyrosine kinase; minus strand). Cytogenetic location: 2p23.2.
Variant type: Microsatellite.
Coding change: c.4555AAT[1] on transcript NM_004304.5 (MANE Select); one copy of the 3-base unit AAT starting at c.4555; the reference has two copies in a row; one copy, 3 bases deleted; also written c.4558_4560del.
Protein change: p.Asn1520del; deletes asparagine 1520.
Molecular consequence: inframe deletion.
Genome position (GRCh38, 1-based): chr2:29,193,527-29,193,529, ATT deleted on the plus strand (AAT on the coding strand, the reverse complement: ALK is on the minus strand); deleting any 3 consecutive bases within chr2:29,193,527-29,193,532 gives the same sequence; the position shown is the placement nearest the transcript's 3' end. VCF-style (leftmost placement, unchanged base first): chr2-29193526-GATT-G. GRCh37 (hg19) VCF-style: chr2-29416392-GATT-G.
Other names: c.1351AAT[1], p.Asn452del (NM_001353765.2); c.4558_4560del (NM_004304.5); short protein forms N1520del, N452del.
Identifiers: ClinVar variation 4884017 (VCV004884017.2).